The following is an entry in ClinVar:

ClinVar aggregate classification (germline): Likely pathogenic (1 of 4 stars; one submission).

Conditions:
Combined oxidative phosphorylation defect type 20. Also called: Combined oxidative phosphorylation deficiency 20. Identifiers: Orphanet 420728, MedGen C4014660, MONDO:0014397, OMIM 615917.

Submission:

Daryl Scott Lab, Baylor College of Medicine
Classification: Likely pathogenic for Combined oxidative phosphorylation defect type 20. Last evaluated: 2024-01-01. Review status: criteria provided, single submitter. Criteria: ACMG Guidelines, 2015. Collection method: clinical testing. Allele origin: biparental. Affected: yes. Observed: 1 homozygote.
Comment: PS3, PM2, PM3, PP3

NM_020442.6(VARS2):c.1258G>A (p.Gly420Arg)

Gene: VARS2 (valyl-tRNA synthetase 2, mitochondrial; plus strand). Cytogenetic location: 6p21.33.
Variant type: single nucleotide variant.
Coding change: c.1258G>A on transcript NM_020442.6 (MANE Select); coding-DNA position 1258, G replaced by A.
Protein change: p.Gly420Arg; replaces glycine 420 with arginine.
Molecular consequence: missense variant.
Genome position (GRCh38, 1-based): chr6:30,920,181, G>A. VCF-style: chr6-30920181-G-A. GRCh37 (hg19) VCF-style: chr6-30887958-G-A.
Other names: c.838G>A, p.Gly280Arg (NM_001167733.3); c.1348G>A, p.Gly450Arg (NM_001167734.2); short protein forms G280R, G420R, G450R.
Identifiers: ClinVar variation 3764574 (VCV003764574.1).